The following is an entry in ClinVar:

ClinVar aggregate classification (germline): Conflicting classifications of pathogenicity. Review status: criteria provided, conflicting classifications (1 of 4 stars). 3 submissions from 3 submitters: Uncertain significance (2); Likely benign (1). Last evaluated 2024-07-26.

Conditions:
Hereditary cancer-predisposing syndrome. Also called: Neoplastic Syndromes, Hereditary; Hereditary Cancer Syndrome; Hereditary neoplastic syndrome; Tumor predisposition. Identifiers: Orphanet 140162, MedGen C0027672, MeSH D009386, MONDO:0015356.
Hereditary breast ovarian cancer syndrome. Also called: Hereditary breast and/or ovarian cancer syndrome; Breast and ovarian cancer; BRCA1- and BRCA2-Associated Hereditary Breast and Ovarian Cancer; Hereditary breast and ovarian cancer syndrome; Hereditary breast and ovarian cancer syndrome (HBOC); Hereditary breast and ovarian cancer. Identifiers: Orphanet 145, MedGen C0677776, MeSH D061325, MONDO:0003582. Disease mechanism: loss of function.

Submissions (3):

Ambry Genetics
Classification: Uncertain significance for Hereditary cancer-predisposing syndrome. Last evaluated: 2024-07-26. Review status: criteria provided, single submitter. Criteria: Ambry Variant Classification Scheme 2023. Collection method: clinical testing. Allele origin: germline.
Comment: The p.D1425N variant (also known as c.4273G>A), located in coding exon 10 of the BRCA2 gene, results from a G to A substitution at nucleotide position 4273. The aspartic acid at codon 1425 is replaced by asparagine, an amino acid with highly similar properties. This variant was identified amongst a cohort of 102 South Indian individuals with a personal and/or family history of breast and/or ovarian cancer (Syamala V et al. J Cancer Res Clin Oncol, 2007 Nov;133:867-74). This amino acid position is poorly conserved in available vertebrate species. In addition, this alteration is predicted to be tolerated by in silico analysis. Based on the available evidence, the clinical significance of this variant remains unclear.

University of Washington Department of Laboratory Medicine, University of Washington
Classification: Likely benign for Hereditary cancer-predisposing syndrome. Last evaluated: 2023-03-23. Review status: criteria provided, single submitter. Criteria: Dines et al. (Genet Med. 2020). Collection method: curation. Allele origin: germline.
Comment: Missense variant in a coldspot region where missense variants are very unlikely to be pathogenic (PMID:31911673).

BRCA2 exon 11 coldspot. Reclassification based on statistical prior probability.

Labcorp Genetics (formerly Invitae), Labcorp
Classification: Uncertain significance for Hereditary breast ovarian cancer syndrome. Last evaluated: 2022-10-30. Review status: criteria provided, single submitter. Criteria: Invitae Variant Classification Sherloc (09022015). Collection method: clinical testing. Allele origin: germline.
Comment: In summary, the available evidence is currently insufficient to determine the role of this variant in disease. Therefore, it has been classified as a Variant of Uncertain Significance. Advanced modeling of protein sequence and biophysical properties (such as structural, functional, and spatial information, amino acid conservation, physicochemical variation, residue mobility, and thermodynamic stability) performed at Invitae indicates that this missense variant is not expected to disrupt BRCA2 protein function. ClinVar contains an entry for this variant (Variation ID: 1059432). This variant is also known as c.4501G>A, p.D1425N. This missense change has been observed in individual(s) with hereditary breast and/or ovarian cancer (PMID: 17503080, 29470806). This variant is not present in population databases (gnomAD no frequency). This sequence change replaces aspartic acid, which is acidic and polar, with asparagine, which is neutral and polar, at codon 1425 of the BRCA2 protein (p.Asp1425Asn).

Literature cited by the submitters: PubMed 17503080 (cited by Ambry Genetics and Labcorp Genetics (formerly Invitae), Labcorp); PubMed 29470806 (cited by Labcorp Genetics (formerly Invitae), Labcorp).

NM_000059.4(BRCA2):c.4273G>A (p.Asp1425Asn)

Gene: BRCA2 (BRCA2 DNA repair associated; plus strand). Cytogenetic location: 13q13.1.
Variant type: single nucleotide variant.
Coding change: c.4273G>A on transcript NM_000059.4 (MANE Select); coding-DNA position 4273, G replaced by A.
Protein change: p.Asp1425Asn; replaces aspartic acid 1425 with asparagine.
Molecular consequence: missense variant.
Genome position (GRCh38, 1-based): chr13:32,338,628, G>A. VCF-style: chr13-32338628-G-A. GRCh37 (hg19) VCF-style: chr13-32912765-G-A.
Other names: c.4273G>A (NM_000059.3); short protein forms D1425N.
Identifiers: ClinVar variation 1059432 (VCV001059432.11), dbSNP rs2137504699, ClinGen allele CA387780563.
Genomic context (GRCh38, chr13:32,338,628, plus strand): 5'-AATAAAGAACAGTTAACTGCTACTAAAACGGAGCAAAATATAAAAGATTTTGAGACTTCT[G>A]ATACATTTTTTCAGACTGCAAGTGGGAAAAATATTAGTGTCGCCAAAGAGTCATTTAATA-3'
Protein context (NP_000050.3, residues 1415-1435): EQNIKDFETS[Asp1425Asn]TFFQTASGKN